The following is an entry in ClinVar:

ClinVar aggregate classification (germline): Uncertain significance (1 of 4 stars; one submission).

Submission:

GeneDx
Classification: Uncertain significance. Last evaluated: 2019-08-15. Review status: criteria provided, single submitter. Criteria: GeneDx Variant Classification Process June 2021. Collection method: clinical testing. Allele origin: germline. Affected: yes.
Comment: Not observed in large population cohorts (Lek et al., 2016); Missense variants in this gene are often considered pathogenic (Stenson et al., 2014); In silico analysis, which includes protein predictors and evolutionary conservation, supports a deleterious effect; Has not been previously published as pathogenic or benign to our knowledge; This substitution is predicted to be within the N-terminal cytoplasmic domain

NM_001040142.2(SCN2A):c.74T>G (p.Ile25Ser)

Gene: SCN2A (sodium voltage-gated channel alpha subunit 2; plus strand). Cytogenetic location: 2q24.3.
Variant type: single nucleotide variant.
Coding change: c.74T>G on transcript NM_001040142.2 (MANE Select); coding-DNA position 74, T replaced by G.
Protein change: p.Ile25Ser; replaces isoleucine 25 with serine.
Molecular consequence: missense variant.
Genome position (GRCh38, 1-based): chr2:165,295,897, T>G. VCF-style: chr2-165295897-T-G. GRCh37 (hg19) VCF-style: chr2-166152407-T-G.
Other names: c.74T>G, p.Ile25Ser (NM_001040143.2, NM_001371246.1, NM_001371247.1 and 1 more transcripts); short protein forms I25S.
Identifiers: ClinVar variation 1318844 (VCV001318844.2), dbSNP rs1366486532, ClinGen allele CA349009866.